The following is an entry in ClinVar:

NC_000007.13:g.(65541081_65546789)_(65558564_?)dup

Gene: ASL (argininosuccinate lyase; plus strand). Cytogenetic location: 7q11.21.
Variant type: Duplication.
Identifiers: ClinVar variation 4847782 (VCV004847782.1).

ClinVar aggregate classification (germline): Uncertain significance (1 of 4 stars; one submission).

Submission:

Women's Health and Genetics/Laboratory Corporation of America, LabCorp
Classification: Uncertain significance. Last evaluated: 2026-02-16. Review status: criteria provided, single submitter. Criteria: LabCorp Variant Classification Summary - May 2015. Collection method: clinical testing. Allele origin: germline.
Comment: Variant summary: The variant involves the duplication of exons 3-17 in the ASL gene. A presumed nomenclature of c.(12+1_13-1)_(*665_?)dup has been designated for the purposes of this classification. The exact breakpoint at the 3' end of this variant is unknown, therefore this duplication may extend downstream of the annotated region of the gene. As it duplicates the termination codon, its effect on the encoded protein is unknown. The variant was absent in 21694 control chromosomes. The available data on variant occurrences in the general population are insufficient to allow any conclusion about variant significance. To our knowledge, no occurrence of c.(12+1_13-1)_(*665_?)dup in individuals affected with ASL-related conditions and no experimental evidence demonstrating its impact on protein function have been reported. ClinVar contains an entry for this variant (Variation ID: 2422199). Based on the evidence outlined above, the variant was classified as uncertain significance.